The following is an entry in ClinVar:

NM_001037333.3(CYFIP2):c.747C>G (p.Tyr249Ter)

Gene: CYFIP2 (cytoplasmic FMR1 interacting protein 2; plus strand). Cytogenetic location: 5q33.3.
Variant type: single nucleotide variant.
Coding change: c.747C>G on transcript NM_001037333.3 (MANE Select); coding-DNA position 747, C replaced by G.
Protein change: p.Tyr249Ter; replaces tyrosine 249 with a stop codon.
Molecular consequence: nonsense.
Genome position (GRCh38, 1-based): chr5:157,304,318, C>G. VCF-style: chr5-157304318-C-G. GRCh37 (hg19) VCF-style: chr5-156731326-C-G.
Other names: c.669C>G, p.Tyr223Ter (NM_001291721.2); c.747C>G, p.Tyr249Ter (NM_001291722.2, NM_014376.4); short protein forms Y223*, Y249*.
Identifiers: ClinVar variation 4282264 (VCV004282264.1).

ClinVar aggregate classification (germline): Uncertain significance (1 of 4 stars; one submission).

Submission:

GeneDx
Classification: Uncertain significance. Last evaluated: 2025-04-17. Review status: criteria provided, single submitter. Criteria: GeneDx Variant Classification Process June 2021. Collection method: clinical testing. Allele origin: germline. Affected: yes.
Comment: Not observed at significant frequency in large population cohorts (gnomAD); Has not been previously published as pathogenic or benign to our knowledge; Nonsense variant predicted to result in protein truncation or nonsense mediated decay in a gene for which loss-of-function is not a known mechanism of disease